The following is an entry in ClinVar:

ClinVar aggregate classification (germline): Benign/Likely benign. Review status: criteria provided, multiple submitters, no conflicts (2 of 4 stars). 5 submissions from 5 submitters: Benign (1); Likely benign (4). Last evaluated 2025-07-25.

Conditions:
Familial adenomatous polyposis 1 (FAP1). Also called: FAMILIAL ADENOMATOUS POLYPOSIS 1, ATTENUATED; POLYPOSIS, ADENOMATOUS INTESTINAL. Identifiers: MedGen C2713442, MONDO:0021056, OMIM 175100. Disease mechanism: loss of function.
Hereditary cancer-predisposing syndrome. Also called: Tumor predisposition; Neoplastic Syndromes, Hereditary; Hereditary neoplastic syndrome; Hereditary Cancer Syndrome. Identifiers: Orphanet 140162, MedGen C0027672, MeSH D009386, MONDO:0015356.

Allele frequency attached by ClinVar (database versions not stated): gnomAD exomes below 0.00001; TOPMed below 0.00001.
gnomAD v4.1: 4 of 1,614,126 alleles (0.00025%); highest among the groups gnomAD compares: Non-Finnish European, 0.00034%; no homozygotes.

Submissions (5):

Labcorp Genetics (formerly Invitae), Labcorp
Classification: Likely benign for Familial adenomatous polyposis 1. Last evaluated: 2025-07-25. Review status: criteria provided, single submitter. Criteria: Invitae Variant Classification Sherloc (09022015). Collection method: clinical testing. Allele origin: germline.

Myriad Genetics, Inc.
Classification: Benign for Familial adenomatous polyposis 1. Last evaluated: 2024-03-15. Review status: criteria provided, single submitter. Criteria: Myriad Autosomal Dominant, Autosomal Recessive and X-Linked Classification Criteria (2023). Collection method: clinical testing. Allele origin: unknown.
Comment: This variant is considered benign. This variant is a silent/synonymous amino acid change and it is not expected to impact splicing.

Color Diagnostics, LLC DBA Color Health
Classification: Likely benign for Hereditary cancer-predisposing syndrome. Last evaluated: 2018-11-21. Review status: criteria provided, single submitter. Criteria: ACMG Guidelines, 2015. Collection method: clinical testing. Allele origin: germline.

Ambry Genetics
Classification: Likely benign for Hereditary cancer-predisposing syndrome. Last evaluated: 2017-08-31. Review status: criteria provided, single submitter. Criteria: Ambry Variant Classification Scheme 2023. Collection method: clinical testing. Allele origin: germline.

GeneDx
Classification: Likely benign. Last evaluated: 2017-05-11. Review status: criteria provided, single submitter. Criteria: GeneDx Variant Classification (06012015). Collection method: clinical testing. Allele origin: germline. Affected: yes.
Comment: This variant is considered likely benign or benign based on one or more of the following criteria: it is a conservative change, it occurs at a poorly conserved position in the protein, it is predicted to be benign by multiple in silico algorithms, and/or has population frequency not consistent with disease.

NM_000038.6(APC):c.2901C>A (p.Val967=)

Gene: APC (APC regulator of Wnt signaling pathway; plus strand). Cytogenetic location: 5q22.2.
Variant type: single nucleotide variant.
Coding change: c.2901C>A on transcript NM_000038.6 (MANE Select); coding-DNA position 2901, C replaced by A.
Protein change: p.Val967=; no amino-acid change (valine 967 retained).
Molecular consequence: synonymous variant.
Genome position (GRCh38, 1-based): chr5:112,838,495, C>A. VCF-style: chr5-112838495-C-A. GRCh37 (hg19) VCF-style: chr5-112174192-C-A.
Other names: c.2901C>A, p.Val967= (NM_001127510.3, NM_001354895.2); c.2847C>A, p.Val949= (NM_001127511.3); c.2955C>A, p.Val985= (NM_001354896.2); c.2931C>A, p.Val977= (NM_001354897.2); c.2826C>A, p.Val942= (NM_001354898.2); c.2817C>A, p.Val939= (NM_001354899.2); c.2778C>A, p.Val926= (NM_001354900.2); c.2724C>A, p.Val908= (NM_001354901.2); and 5 more.
Identifiers: ClinVar variation 416726 (VCV000416726.19), dbSNP rs1060504876, ClinGen allele CA16611639.
Genomic context (GRCh38, chr5:112,838,495, plus strand): 5'-TTCTATGCCTTATGCCAAATTAGAATACAAGAGATCTTCAAATGATAGTTTAAATAGTGT[C>A]AGTAGTAGTGATGGTTATGGTAAAAGAGGTCAAATGAAACCCTCGATTGAATCCTATTCT-3'
Protein context (NP_000029.2, residues 957-977): KRSSNDSLNS[Val967=]SSSDGYGKRG